The following is an entry in ClinVar:

NM_004006.3(DMD):c.3513del (p.Glu1171fs)

Gene: DMD (dystrophin; minus strand). Cytogenetic location: Xp21.1.
Variant type: Deletion.
Coding change: c.3513del on transcript NM_004006.3 (MANE Select); coding-DNA position 3513, one base deleted (A; older notation c.3513delA).
Protein change: p.Glu1171fs; shifts the reading frame from glutamic acid 1171.
Molecular consequence: frameshift variant.
Genome position (GRCh38, 1-based): chrX:32,454,752, T deleted on the plus strand (A on the coding strand, the reverse complement: DMD is on the minus strand); the first of 2 consecutive T bases (chrX:32,454,752-32,454,753); deleting either gives the same sequence. VCF-style (leftmost placement, unchanged base first): chrX-32454751-AT-A. GRCh37 (hg19) VCF-style: chrX-32472868-AT-A.
Other names: c.3489del, p.Glu1163fs (NM_000109.4); c.3501del, p.Glu1167fs (NM_004009.3); c.3144del, p.Glu1048fs (NM_004010.3); c.3513delA (NM_004006.3); short protein forms E1048fs, E1163fs, E1167fs, E1171fs.
Identifiers: ClinVar variation 3896842 (VCV003896842.1).

ClinVar aggregate classification (germline): Likely pathogenic (1 of 4 stars; one submission).

Conditions:
Duchenne muscular dystrophy (DMD). Also called: Duchenne Muscular Dystrophy (DMD); MUSCULAR DYSTROPHY, PSEUDOHYPERTROPHIC PROGRESSIVE, DUCHENNE TYPE. Identifiers: Orphanet 98896, MedGen C0013264, MONDO:0010679, OMIM 310200.

Submission:

Kariminejad - Najmabadi Pathology & Genetics Center
Classification: Likely pathogenic for Duchenne muscular dystrophy. Last evaluated: 2023-04-10. Review status: criteria provided, single submitter. Criteria: ACMG Guidelines, 2015. Collection method: clinical testing. Allele origin: germline. Inheritance: X-linked inheritance. Affected: yes.
Comment: PVS1, PM2